The following is an entry in ClinVar:

ClinVar aggregate classification (germline): Pathogenic (1 of 4 stars; one submission).

Conditions:
Developmental and epileptic encephalopathy, 54. Also called: Epileptic encephalopathy, early infantile, 54; HNRNPU-Related Neurodevelopmental Disorder. Identifiers: MedGen C4479319, MONDO:0033363, OMIM 617391.

Submission:

Labcorp Genetics (formerly Invitae), Labcorp
Classification: Pathogenic for Developmental and epileptic encephalopathy, 54. Last evaluated: 2023-01-24. Review status: criteria provided, single submitter. Criteria: Invitae Variant Classification Sherloc (09022015). Collection method: clinical testing. Allele origin: germline.
Comment: This sequence change creates a premature translational stop signal (p.Tyr266Valfs*2) in the HNRNPU gene. It is expected to result in an absent or disrupted protein product. Loss-of-function variants in HNRNPU are known to be pathogenic (PMID: 22678713, 28283832). This variant is not present in population databases (gnomAD no frequency). This variant has not been reported in the literature in individuals affected with HNRNPU-related conditions. For these reasons, this variant has been classified as Pathogenic.

Literature cited by the submitters: PubMed 22678713; PubMed 28283832.

NM_031844.3(HNRNPU):c.794dup (p.Tyr266fs)

Gene: HNRNPU (heterogeneous nuclear ribonucleoprotein U; minus strand). Cytogenetic location: 1q44.
Variant type: Duplication.
Coding change: c.794dup on transcript NM_031844.3 (MANE Select); coding-DNA position 794, one base duplicated (A; older notation c.794dupA).
Protein change: p.Tyr266fs; shifts the reading frame from tyrosine 266.
Molecular consequence: frameshift variant.
Genome position (GRCh38, 1-based): chr1:244,862,628, T duplicated on the plus strand (A on the coding strand, the reverse complement: HNRNPU is on the minus strand); the first of 2 consecutive T bases (chr1:244,862,628-244,862,629); duplicating either gives the same sequence. VCF-style (leftmost placement, unchanged base first): chr1-244862627-C-CT. GRCh37 (hg19) VCF-style: chr1-245025929-C-CT.
Other names: c.737dup, p.Tyr247fs (NM_004501.3); short protein forms Y247fs, Y266fs.
Identifiers: ClinVar variation 2831761 (VCV002831761.3), dbSNP rs2527890315, ClinGen allele CA2739274105.